The following is an entry in ClinVar:

ClinVar aggregate classification (germline): Uncertain significance (1 of 4 stars; one submission).

gnomAD v4.1: 2 of 1,610,612 alleles (0.00012%); highest among the groups gnomAD compares: Non-Finnish European, 0.00017%; no homozygotes.

Submission:

Dasa
Classification: Uncertain significance. Last evaluated: 2025-08-10. Review status: criteria provided, single submitter. Criteria: DASA Assertion Criteria. Collection method: clinical testing. Allele origin: germline.
Comment: NM_001330588.2(TPP2):c.940-3T>C is a splice-region variant. This variant is rare in population databases. Computational prediction algorithms are consistent with a benign effect. The currently available literature and clinical evidence are not sufficient to establish a definitive association between this variant and the reported condition. Therefore, this variant is classified as a variant of uncertain significance.

NM_001330588.2(TPP2):c.940-3T>C

Gene: TPP2 (tripeptidyl peptidase 2; plus strand). Cytogenetic location: 13q33.1.
Variant type: single nucleotide variant.
Coding change: c.940-3T>C on transcript NM_001330588.2 (MANE Select); 3 bases into the intron before coding-DNA position 940, T replaced by C.
Molecular consequence: intron variant.
Genome position (GRCh38, 1-based): chr13:102,627,845, T>C. VCF-style: chr13-102627845-T-C. GRCh37 (hg19) VCF-style: chr13-103280195-T-C.
Other names: c.940-3T>C (NM_001367947.1, NM_003291.4).
Identifiers: ClinVar variation 4882881 (VCV004882881.2).